The following is an entry in ClinVar:

ClinVar aggregate classification (germline): Uncertain significance (1 of 4 stars; one submission).

Submission:

GeneDx
Classification: Uncertain significance. Last evaluated: 2025-06-17. Review status: criteria provided, single submitter. Criteria: GeneDx Variant Classification Process June 2021. Collection method: clinical testing. Allele origin: germline. Affected: yes.
Comment: Not observed at significant frequency in large population cohorts (gnomAD); In silico analysis suggests that this missense variant does not alter protein structure/function; Has not been previously published as pathogenic or benign to our knowledge

NM_001039591.3(USP9X):c.6650C>A (p.Pro2217Gln)

Gene: USP9X (ubiquitin specific peptidase 9 X-linked; plus strand). Cytogenetic location: Xp11.4.
Variant type: single nucleotide variant.
Coding change: c.6650C>A on transcript NM_001039591.3 (MANE Select); coding-DNA position 6650, C replaced by A.
Protein change: p.Pro2217Gln; replaces proline 2217 with glutamine.
Molecular consequence: missense variant.
Genome position (GRCh38, 1-based): chrX:41,223,301, C>A. VCF-style: chrX-41223301-C-A. GRCh37 (hg19) VCF-style: chrX-41082554-C-A.
Other names: c.6650C>A, p.Pro2217Gln (NM_001039590.3); c.6665C>A, p.Pro2222Gln (NM_001410748.1, NM_001410749.1, NM_001437534.1); short protein forms P2217Q, P2222Q.
Identifiers: ClinVar variation 4538847 (VCV004538847.1).